The following is an entry in ClinVar:

NM_133497.4(KCNV2):c.640C>T (p.Leu214Phe)

Gene: KCNV2 (potassium voltage-gated channel modifier subfamily V member 2; plus strand). Cytogenetic location: 9p24.2.
Variant type: single nucleotide variant.
Coding change: c.640C>T on transcript NM_133497.4 (MANE Select); coding-DNA position 640, C replaced by T.
Protein change: p.Leu214Phe; replaces leucine 214 with phenylalanine.
Molecular consequence: missense variant.
Genome position (GRCh38, 1-based): chr9:2,718,379, C>T. VCF-style: chr9-2718379-C-T. GRCh37 (hg19) VCF-style: chr9-2718379-C-T.
Other names: short protein forms L214F.
Identifiers: ClinVar variation 1039697 (VCV001039697.8), dbSNP rs576345571, ClinGen allele CA4965550.

ClinVar aggregate classification (germline): Uncertain significance (1 of 4 stars; one submission).

Allele frequency attached by ClinVar (database versions not stated): gnomAD exomes below 0.00001; ExAC 0.00001; gnomAD 0.00001; TOPMed 0.00002.
gnomAD v4.1: 2 of 1,600,770 alleles (0.00012%); highest among the groups gnomAD compares: African/African-American, 0.0027%; no homozygotes.

Submission:

Labcorp Genetics (formerly Invitae), Labcorp
Classification: Uncertain significance. Last evaluated: 2024-02-17. Review status: criteria provided, single submitter. Criteria: Invitae Variant Classification Sherloc (09022015). Collection method: clinical testing. Allele origin: germline.
Comment: This sequence change replaces leucine, which is neutral and non-polar, with phenylalanine, which is neutral and non-polar, at codon 214 of the KCNV2 protein (p.Leu214Phe). This variant is present in population databases (rs576345571, gnomAD 0.008%). This variant has not been reported in the literature in individuals affected with KCNV2-related conditions. ClinVar contains an entry for this variant (Variation ID: 1039697). Advanced modeling of protein sequence and biophysical properties (such as structural, functional, and spatial information, amino acid conservation, physicochemical variation, residue mobility, and thermodynamic stability) performed at Invitae indicates that this missense variant is not expected to disrupt KCNV2 protein function with a negative predictive value of 80%. In summary, the available evidence is currently insufficient to determine the role of this variant in disease. Therefore, it has been classified as a Variant of Uncertain Significance.